The following is an entry in ClinVar:

ClinVar aggregate classification (germline): Uncertain significance (1 of 4 stars; one submission).

Conditions:
Hereditary cancer-predisposing syndrome. Also called: Tumor predisposition; Hereditary Cancer Syndrome; Hereditary neoplastic syndrome; Neoplastic Syndromes, Hereditary. Identifiers: Orphanet 140162, MedGen C0027672, MeSH D009386, MONDO:0015356.

Submission:

Ambry Genetics
Classification: Uncertain significance for Hereditary cancer-predisposing syndrome. Last evaluated: 2025-12-14. Review status: criteria provided, single submitter. Criteria: Ambry Variant Classification Scheme 2023. Collection method: clinical testing. Allele origin: germline.
Comment: The p.R109I variant (also known as c.326G>T), located in coding exon 4 of the POLE gene, results from a G to T substitution at nucleotide position 326. The arginine at codon 109 is replaced by isoleucine, an amino acid with similar properties. This amino acid position is conserved. In addition, this alteration is predicted to be tolerated by in silico analysis. Since supporting evidence is limited at this time, the clinical significance of this alteration remains unclear.

NM_006231.4(POLE):c.326G>T (p.Arg109Ile)

Gene: POLE (DNA polymerase epsilon, catalytic subunit; minus strand). Cytogenetic location: 12q24.33.
Variant type: single nucleotide variant.
Coding change: c.326G>T on transcript NM_006231.4 (MANE Select); coding-DNA position 326, G replaced by T.
Protein change: p.Arg109Ile; replaces arginine 109 with isoleucine.
Molecular consequence: missense variant.
Genome position (GRCh38, 1-based): chr12:132,680,182, C>A on the plus strand (G>T on the coding strand, the complement: POLE is on the minus strand). VCF-style: chr12-132680182-C-A. GRCh37 (hg19) VCF-style: chr12-133256768-C-A.
Other names: short protein forms R109I.
Identifiers: ClinVar variation 2620500 (VCV002620500.3), dbSNP rs1555230239, ClinGen allele CA387368562.